The following is an entry in ClinVar:

NM_000057.4(BLM):c.3221C>T (p.Thr1074Ile)

Gene: BLM (BLM RecQ like helicase; plus strand). Cytogenetic location: 15q26.1.
Variant type: single nucleotide variant.
Coding change: c.3221C>T on transcript NM_000057.4 (MANE Select); coding-DNA position 3221, C replaced by T.
Protein change: p.Thr1074Ile; replaces threonine 1074 with isoleucine.
Molecular consequence: missense variant.
Genome position (GRCh38, 1-based): chr15:90,798,200, C>T. VCF-style: chr15-90798200-C-T. GRCh37 (hg19) VCF-style: chr15-91341430-C-T.
Other names: c.3221C>T, p.Thr1074Ile (NM_001287246.2, NM_001287247.2); c.2096C>T, p.Thr699Ile (NM_001287248.2); short protein forms T1074I, T699I.
Identifiers: ClinVar variation 1017126 (VCV001017126.9), dbSNP rs144021705, ClinGen allele CA7738964.

ClinVar aggregate classification (germline): Uncertain significance (1 of 4 stars; one submission).

Conditions:
Bloom syndrome (BLM). Also called: Bloom-Torre-Machacek syndrome. Identifiers: Orphanet 125, MedGen C0005859, MONDO:0008876, OMIM 210900.

Allele frequency attached by ClinVar (database versions not stated): gnomAD exomes below 0.00001; TOPMed below 0.00001; ExAC 0.00001; gnomAD 0.00001; ESP Exome Variant Server 0.00008.
gnomAD v4.1: 1 of 1,605,066 alleles (0.000062%); highest among the groups gnomAD compares: Non-Finnish European, 0.000085%; no homozygotes.

Submission:

Labcorp Genetics (formerly Invitae), Labcorp
Classification: Uncertain significance for Bloom syndrome. Last evaluated: 2020-11-03. Review status: criteria provided, single submitter. Criteria: Invitae Variant Classification Sherloc (09022015). Collection method: clinical testing. Allele origin: germline.
Comment: In summary, the available evidence is currently insufficient to determine the role of this variant in disease. Therefore, it has been classified as a Variant of Uncertain Significance. Algorithms developed to predict the effect of missense changes on protein structure and function output the following: SIFT: "Tolerated"; PolyPhen-2: "Benign"; Align-GVGD: "Class C0". The isoleucine amino acid residue is found in multiple mammalian species, suggesting that this missense change does not adversely affect protein function. These predictions have not been confirmed by published functional studies and their clinical significance is uncertain. This variant has not been reported in the literature in individuals with BLM-related conditions. This variant is present in population databases (rs144021705, ExAC 0.002%). This sequence change replaces threonine with isoleucine at codon 1074 of the BLM protein (p.Thr1074Ile). The threonine residue is weakly conserved and there is a moderate physicochemical difference between threonine and isoleucine.